The following is an entry in ClinVar:

NM_031296.3(RAB33B):c.561T>G (p.His187Gln)

Gene: RAB33B (RAB33B, member RAS oncogene family; plus strand). Cytogenetic location: 4q31.1.
Variant type: single nucleotide variant.
Coding change: c.561T>G on transcript NM_031296.3 (MANE Select); coding-DNA position 561, T replaced by G.
Protein change: p.His187Gln; replaces histidine 187 with glutamine.
Molecular consequence: missense variant.
Genome position (GRCh38, 1-based): chr4:139,472,997, T>G. VCF-style: chr4-139472997-T-G. GRCh37 (hg19) VCF-style: chr4-140394151-T-G.
Other names: short protein forms H187Q.
Identifiers: ClinVar variation 3655164 (VCV003655164.2).

ClinVar aggregate classification (germline): Uncertain significance (1 of 4 stars; one submission).

gnomAD v4.1: 1 of 1,614,142 alleles (0.000062%); highest among the groups gnomAD compares: Non-Finnish European, 0.000085%; no homozygotes.

Submission:

Labcorp Genetics (formerly Invitae), Labcorp
Classification: Uncertain significance. Last evaluated: 2024-06-08. Review status: criteria provided, single submitter. Criteria: Invitae Variant Classification Sherloc (09022015). Collection method: clinical testing. Allele origin: germline.
Comment: This sequence change replaces histidine, which is basic and polar, with glutamine, which is neutral and polar, at codon 187 of the RAB33B protein (p.His187Gln). This variant is not present in population databases (gnomAD no frequency). This variant has not been reported in the literature in individuals affected with RAB33B-related conditions. An algorithm developed to predict the effect of missense changes on protein structure and function (PolyPhen-2) suggests that this variant is likely to be disruptive. In summary, the available evidence is currently insufficient to determine the role of this variant in disease. Therefore, it has been classified as a Variant of Uncertain Significance.